The following is an entry in ClinVar:

ClinVar aggregate classification (germline): Uncertain significance (1 of 4 stars; one submission).

Allele frequency attached by ClinVar (database versions not stated): gnomAD 0.00001; TOPMed 0.00002.
gnomAD v4.1: 13 of 1,607,946 alleles (0.00081%); highest among the groups gnomAD compares: East Asian, 0.025%; no homozygotes.

Submission:

Labcorp Genetics (formerly Invitae), Labcorp
Classification: Uncertain significance. Last evaluated: 2025-03-20. Review status: criteria provided, single submitter. Criteria: Invitae Variant Classification Sherloc (09022015). Collection method: clinical testing. Allele origin: germline.
Comment: This sequence change replaces glutamic acid, which is acidic and polar, with lysine, which is basic and polar, at codon 1680 of the MYO18B protein (p.Glu1680Lys). This variant is present in population databases (rs749666378, gnomAD 0.02%). This variant has not been reported in the literature in individuals affected with MYO18B-related conditions. ClinVar contains an entry for this variant (Variation ID: 1899944). An algorithm developed to predict the effect of missense changes on protein structure and function outputs the following: PolyPhen-2: "Benign". The lysine amino acid residue is found in multiple mammalian species, which suggests that this missense change does not adversely affect protein function. In summary, the available evidence is currently insufficient to determine the role of this variant in disease. Therefore, it has been classified as a Variant of Uncertain Significance.

NM_032608.7(MYO18B):c.5038G>A (p.Glu1680Lys)

Gene: MYO18B (myosin XVIIIB; plus strand). Cytogenetic location: 22q12.1.
Variant type: single nucleotide variant.
Coding change: c.5038G>A on transcript NM_032608.7 (MANE Select); coding-DNA position 5038, G replaced by A.
Protein change: p.Glu1680Lys; replaces glutamic acid 1680 with lysine.
Molecular consequence: missense variant.
Genome position (GRCh38, 1-based): chr22:25,903,721, G>A. VCF-style: chr22-25903721-G-A. GRCh37 (hg19) VCF-style: chr22-26299688-G-A.
Other names: c.5041G>A, p.Glu1681Lys (NM_001318245.2); short protein forms E1680K, E1681K.
Identifiers: ClinVar variation 1899944 (VCV001899944.5), dbSNP rs749666378, ClinGen allele CA10161051.